The following is an entry in ClinVar:

NM_000492.4(CFTR):c.4243-35del

Genes: CFTR (CF transmembrane conductance regulator; plus strand), LOC111674477 (CFTR intron 23 enhancer; plus strand). Cytogenetic location: 7q31.2.
Variant type: Deletion.
Coding change: c.4243-35del on transcript NM_000492.4 (MANE Select); 35 bases into the intron before coding-DNA position 4243, one base deleted (T; older notation c.4243-35delT).
Molecular consequence: intron variant.
Genome position (GRCh38, 1-based): chr7:117,666,873, T deleted; the last of 2 consecutive T bases (chr7:117,666,872-117,666,873); deleting either gives the same sequence. VCF-style (leftmost placement, unchanged base first): chr7-117666871-CT-C. GRCh37 (hg19) VCF-style: chr7-117306925-CT-C.
Other names: c.4243-35delT (NM_000492.3).
Identifiers: ClinVar variation 35885 (VCV000035885.31), dbSNP rs193922527, ClinGen allele CA260253.

ClinVar aggregate classification (germline): Benign/Likely benign. Review status: criteria provided, multiple submitters, no conflicts (2 of 4 stars). 6 submissions from 6 submitters: Benign (5); Likely benign (1). Last evaluated 2024-09-23.

Conditions:
Cystic fibrosis (CF). Also called: MUCOVISCIDOSIS. Identifiers: Orphanet 586, MedGen C0010674, MONDO:0009061, OMIM 219700. Disease mechanism: loss of function.
Hereditary pancreatitis (PCTT). Also called: Hereditary chronic pancreatitis; PRSS1-Related Hereditary Pancreatitis. Identifiers: Orphanet 676, MedGen C0238339, MONDO:0008185, OMIM 167800.

Submissions (6):

Labcorp Genetics (formerly Invitae), Labcorp
Classification: Benign for Cystic fibrosis. Last evaluated: 2024-09-23. Review status: criteria provided, single submitter. Criteria: Invitae Variant Classification Sherloc (09022015). Collection method: clinical testing. Allele origin: germline.

Johns Hopkins Genomics, Johns Hopkins University
Classification: Benign for Cystic fibrosis. Last evaluated: 2023-07-07. Review status: criteria provided, single submitter. Criteria: ACMG Guidelines, 2015. Collection method: clinical testing. Allele origin: germline.

Women's Health and Genetics/Laboratory Corporation of America, LabCorp
Classification: Benign. Last evaluated: 2021-12-23. Review status: criteria provided, single submitter. Criteria: LabCorp Variant Classification Summary - May 2015. Collection method: clinical testing. Allele origin: germline.
Comment: Variant summary: CFTR c.4243-35delT is located at a position not widely known to affect splicing. 3/3 computational tools predict no significant impact on normal splicing. However, these predictions have yet to be confirmed by functional studies. The variant allele was found at a frequency of 0.00094 in 249034 control chromosomes in the gnomAD database, including 2 homozygotes. The variant, c.4243-35delT, has been reported in an individual affected with nontuberculous mycobacterial infection (Szymanski_2015, McCormack_2017), however this individual had a co-occurring potentially pathogenic variant (MPEG1 c.1192C>T (p.Gln398Ter)), which could explain the phenotype, thus providing supporting evidence for a benign role. To our knowledge, no experimental evidence demonstrating an impact on protein function has been reported. Three ClinVar submitters have assessed the variant since 2014: one classified the variant as likely benign and two as benign. Based on the evidence outlined above, the variant was classified as benign.

Sema4
Classification: Benign for Hereditary pancreatitis. Last evaluated: 2020-08-10. Review status: criteria provided, single submitter. Criteria: Sema4 Curation Guidelines. Collection method: curation. Allele origin: germline.

Quest Diagnostics Nichols Institute San Juan Capistrano
Classification: Likely benign. Last evaluated: 2020-04-10. Review status: criteria provided, single submitter. Criteria: Quest Diagnostics criteria. Collection method: clinical testing. Allele origin: unknown.

ARUP Laboratories, Molecular Genetics and Genomics, ARUP Laboratories
Classification: Benign. Last evaluated: 2016-11-16. Review status: criteria provided, single submitter. Criteria: ARUP Molecular Germline Variant Investigation Process. Collection method: clinical testing. Allele origin: germline.

Literature cited by the submitters: PubMed 26436105 (cited by Johns Hopkins Genomics, Johns Hopkins University); PubMed 16244288 (cited by Women's Health and Genetics/Laboratory Corporation of America, LabCorp); PubMed 26038974 (cited by Women's Health and Genetics/Laboratory Corporation of America, LabCorp); PubMed 28422754 (cited by Women's Health and Genetics/Laboratory Corporation of America, LabCorp).